The following is an entry in ClinVar:

ClinVar aggregate classification (germline): Conflicting classifications of pathogenicity. Review status: criteria provided, conflicting classifications (1 of 4 stars). 2 submissions from 2 submitters: Uncertain significance (1); Likely benign (1). Last evaluated 2025-07-10.

Conditions:
Hereditary breast ovarian cancer syndrome. Also called: Hereditary breast and ovarian cancer syndrome (HBOC); Breast and ovarian cancer; Hereditary breast and ovarian cancer; BRCA1- and BRCA2-Associated Hereditary Breast and Ovarian Cancer; Hereditary breast and ovarian cancer syndrome; Hereditary breast and/or ovarian cancer syndrome. Identifiers: Orphanet 145, MedGen C0677776, MeSH D061325, MONDO:0003582. Disease mechanism: loss of function.
Hereditary cancer-predisposing syndrome. Also called: Tumor predisposition; Hereditary neoplastic syndrome; Hereditary Cancer Syndrome; Neoplastic Syndromes, Hereditary. Identifiers: Orphanet 140162, MedGen C0027672, MeSH D009386, MONDO:0015356.

Submissions (2):

Labcorp Genetics (formerly Invitae), Labcorp
Classification: Uncertain significance for Hereditary breast ovarian cancer syndrome. Last evaluated: 2025-07-10. Review status: criteria provided, single submitter. Criteria: Invitae Variant Classification Sherloc (09022015). Collection method: clinical testing. Allele origin: germline.
Comment: This sequence change falls in intron 16 of the BRCA1 gene. It does not directly change the encoded amino acid sequence of the BRCA1 protein. This variant is not present in population databases (gnomAD no frequency). This variant has not been reported in the literature in individuals affected with BRCA1-related conditions. ClinVar contains an entry for this variant (Variation ID: 3018361). Algorithms developed to predict the effect of sequence changes on RNA splicing suggest that this variant may disrupt the consensus splice site. In summary, the available evidence is currently insufficient to determine the role of this variant in disease. Therefore, it has been classified as a Variant of Uncertain Significance.

Ambry Genetics
Classification: Likely benign for Hereditary cancer-predisposing syndrome. Last evaluated: 2024-09-27. Review status: criteria provided, single submitter. Criteria: Ambry Variant Classification Scheme 2023. Collection method: clinical testing. Allele origin: germline.

NM_007294.4(BRCA1):c.5075-15T>G

Gene: BRCA1 (BRCA1 DNA repair associated; minus strand). Cytogenetic location: 17q21.31.
Variant type: single nucleotide variant.
Coding change: c.5075-15T>G on transcript NM_007294.4 (MANE Select); 15 bases into the intron before coding-DNA position 5075, T replaced by G.
Molecular consequence: intron variant.
Genome position (GRCh38, 1-based): chr17:43,063,966, A>C on the plus strand (T>G on the coding strand, the complement: BRCA1 is on the minus strand). VCF-style: chr17-43063966-A-C. GRCh37 (hg19) VCF-style: chr17-41215983-A-C.
Other names: c.1622-15T>G (NM_001408458.1, NM_001408461.1, NM_001408464.1 and 7 more transcripts); c.4184-15T>G (NM_001407967.1); c.4694-15T>G (NM_001407959.1); c.4808-15T>G (NM_001407931.1, NM_001407932.1, NM_001407928.1 and 4 more transcripts); c.4931-15T>G (NM_001407747.1, NM_001407745.1, NM_001407737.1 and 21 more transcripts); c.4691-15T>G (NM_001407962.1, NM_001407960.1); c.1262-15T>G (NM_001408512.1); c.1385-15T>G (NM_001408510.1); and 73 more.
Identifiers: ClinVar variation 3018361 (VCV003018361.4), dbSNP rs2549575262, ClinGen allele CA2740095372.